The following is an entry in ClinVar:

NM_052947.4(ALPK2):c.2227A>T (p.Ile743Phe)

Gene: ALPK2 (alpha kinase 2; minus strand). Cytogenetic location: 18q21.31.
Variant type: single nucleotide variant.
Coding change: c.2227A>T on transcript NM_052947.4 (MANE Select); coding-DNA position 2227, A replaced by T.
Protein change: p.Ile743Phe; replaces isoleucine 743 with phenylalanine.
Molecular consequence: missense variant.
Genome position (GRCh38, 1-based): chr18:58,537,960, T>A on the plus strand (A>T on the coding strand, the complement: ALPK2 is on the minus strand). VCF-style: chr18-58537960-T-A. GRCh37 (hg19) VCF-style: chr18-56205192-T-A.
Other names: short protein forms I743F.
Identifiers: ClinVar variation 2449279 (VCV002449279.2), dbSNP rs2051663606, ClinGen allele CA402571219.

ClinVar aggregate classification (germline): Uncertain significance (1 of 4 stars; one submission).

Submission:

Ambry Genetics
Classification: Uncertain significance. Last evaluated: 2023-02-10. Review status: criteria provided, single submitter. Criteria: Ambry Variant Classification Scheme 2023. Collection method: clinical testing. Allele origin: germline.
Comment: The p.I743F variant (also known as c.2227A>T), located in coding exon 4 of the ALPK2 gene, results from an A to T substitution at nucleotide position 2227. The isoleucine at codon 743 is replaced by phenylalanine, an amino acid with highly similar properties. This amino acid position is conserved. In addition, this alteration is predicted to be tolerated by in silico analysis. Since supporting evidence is limited at this time, the clinical significance of this alteration remains unclear.